The following is an entry in ClinVar:

NM_000053.4(ATP7B):c.1460C>T (p.Pro487Leu)

Gene: ATP7B (ATPase copper transporting beta; minus strand). Cytogenetic location: 13q14.3.
Variant type: single nucleotide variant.
Coding change: c.1460C>T on transcript NM_000053.4 (MANE Select); coding-DNA position 1460, C replaced by T.
Protein change: p.Pro487Leu; replaces proline 487 with leucine.
Molecular consequence: missense variant.
Genome position (GRCh38, 1-based): chr13:51,970,575, G>A on the plus strand (C>T on the coding strand, the complement: ATP7B is on the minus strand). VCF-style: chr13-51970575-G-A. GRCh37 (hg19) VCF-style: chr13-52544711-G-A.
Other names: c.1460C>T, p.Pro487Leu (NM_001005918.3, NM_001330578.2, NM_001330579.2); c.1127C>T, p.Pro376Leu (NM_001243182.2); short protein forms P487L, P376L.
Identifiers: ClinVar variation 1038851 (VCV001038851.12), dbSNP rs767312670, ClinGen allele CA6989345.

ClinVar aggregate classification (germline): Uncertain significance. Review status: criteria provided, multiple submitters, no conflicts (2 of 4 stars). 5 submissions from 5 submitters: Uncertain significance (4). 1 of the submissions does not count toward it. Last evaluated 2026-07-01.

Conditions:
Wilson disease (WND). Also called: Wilson's disease. Identifiers: Orphanet 905, MedGen C0019202, MONDO:0010200, OMIM 277900. Disease mechanism: loss of function.

Allele frequency attached by ClinVar (database versions not stated): ExAC 0.00002; gnomAD 0.00002; TOPMed 0.00002.
gnomAD v4.1: 14 of 1,613,966 alleles (0.00087%); highest among the groups gnomAD compares: Middle Eastern, 0.016%; no homozygotes.

Submissions (5):

CeGaT Center for Human Genetics Tuebingen
Classification: Uncertain significance. Last evaluated: 2026-07-01. Review status: criteria provided, single submitter. Criteria: CeGaT Center For Human Genetics Tuebingen Variant Classification Criteria Version 2. Collection method: clinical testing. Allele origin: germline. Affected: yes. Observed: 1 variant allele.
Comment: ATP7B: PM2

Labcorp Genetics (formerly Invitae), Labcorp
Classification: Uncertain significance for Wilson disease. Last evaluated: 2025-04-24. Review status: criteria provided, single submitter. Criteria: Invitae Variant Classification Sherloc (09022015). Collection method: clinical testing. Allele origin: germline.
Comment: This sequence change replaces proline, which is neutral and non-polar, with leucine, which is neutral and non-polar, at codon 487 of the ATP7B protein (p.Pro487Leu). This variant is present in population databases (rs767312670, gnomAD 0.01%). This variant has not been reported in the literature in individuals affected with ATP7B-related conditions. ClinVar contains an entry for this variant (Variation ID: 1038851). Invitae Evidence Modeling of protein sequence and biophysical properties (such as structural, functional, and spatial information, amino acid conservation, physicochemical variation, residue mobility, and thermodynamic stability) indicates that this missense variant is not expected to disrupt ATP7B protein function with a negative predictive value of 80%. In summary, the available evidence is currently insufficient to determine the role of this variant in disease. Therefore, it has been classified as a Variant of Uncertain Significance.

All of Us Research Program, National Institutes of Health
Classification: Uncertain significance for Wilson disease. Last evaluated: 2024-05-09. Review status: criteria provided, single submitter. Criteria: ACMG Guidelines, 2015. Collection method: clinical testing. Allele origin: germline. Inheritance: Autosomal recessive inheritance. Observed: 4 variant alleles, 4 heterozygotes.
Comment: This missense variant replaces proline with leucine at codon 487 of the ATP7B protein. Computational prediction suggests that this variant may not impact protein structure and function (internally defined REVEL score threshold <= 0.5, PMID: 27666373). To our knowledge, functional studies have not been reported for this variant. This variant has not been reported in individuals affected with ATP7B-related disorders in the literature. This variant has been identified in 6/280830 chromosomes in the general population by the Genome Aggregation Database (gnomAD). The available evidence is insufficient to determine the role of this variant in disease conclusively. Therefore, this variant is classified as a Variant of Uncertain Significance.

This study involves interpretation of variants in research participants for the purpose of population health screening. Participant phenotype was not available at the time of variant classification. Additional details can be found in publication PMID: 35346344, PMCID: PMC8962531

Color Diagnostics, LLC DBA Color Health
Classification: Uncertain significance for Wilson disease. Last evaluated: 2022-11-07. Review status: criteria provided, single submitter. Criteria: ACMG Guidelines, 2015. Collection method: clinical testing. Allele origin: germline.
Comment: This missense variant replaces proline with leucine at codon 487 of the ATP7B protein. Computational prediction suggests that this variant may not impact protein structure and function. To our knowledge, functional studies have not been reported for this variant. This variant has not been reported in individuals affected with ATP7B-related disorders in the literature. This variant has been identified in 6/280830 chromosomes in the general population by the Genome Aggregation Database (gnomAD). The available evidence is insufficient to determine the role of this variant in disease conclusively. Therefore, this variant is classified as a Variant of Uncertain Significance.

Natera, Inc.
Classification: Uncertain significance for Wilson disease. Last evaluated: 2020-07-16. Review status: no assertion criteria provided. Collection method: clinical testing. Allele origin: germline. Not counted in ClinVar's aggregate classification.